The following is an entry in ClinVar:

NM_000368.5(TSC1):c.1885A>C (p.Lys629Gln)

Gene: TSC1 (TSC complex subunit 1; minus strand). Cytogenetic location: 9q34.13.
Variant type: single nucleotide variant.
Coding change: c.1885A>C on transcript NM_000368.5 (MANE Select); coding-DNA position 1885, A replaced by C.
Protein change: p.Lys629Gln; replaces lysine 629 with glutamine.
Molecular consequence: missense variant.
Genome position (GRCh38, 1-based): chr9:132,905,693, T>G on the plus strand (A>C on the coding strand, the complement: TSC1 is on the minus strand). VCF-style: chr9-132905693-T-G. GRCh37 (hg19) VCF-style: chr9-135781080-T-G.
Other names: c.1882A>C, p.Lys628Gln (NM_001162426.2); c.1732A>C, p.Lys578Gln (NM_001162427.2); c.1522A>C, p.Lys508Gln (NM_001362177.2); short protein forms K628Q, K508Q, K578Q, K629Q.
Identifiers: ClinVar variation 820256 (VCV000820256.7), dbSNP rs865941509, ClinGen allele CA200888243.

ClinVar aggregate classification (germline): Conflicting classifications of pathogenicity. Review status: criteria provided, conflicting classifications (1 of 4 stars). 3 submissions from 3 submitters: Uncertain significance (2); Likely benign (1). Last evaluated 2026-07-07.

Conditions:
Lymphangiomyomatosis (LAM). Also called: Lymphangioleiomyomatosis, somatic; Lymphangioleiomyomatosis. Identifiers: Orphanet 538, MedGen C0751674, MONDO:0011705, OMIM 606690.
Isolated focal cortical dysplasia type II (FCORD2). Also called: CORTICAL DYSPLASIA OF TAYLOR; Focal cortical dysplasia type II. Identifiers: Orphanet 268994, MedGen C1846385, MONDO:0011818, OMIM 607341, HP:0032051.
Tuberous sclerosis 1 (TSC1). Identifiers: Orphanet 805, MedGen C1854465, MONDO:0008612, OMIM 191100.
Hereditary cancer-predisposing syndrome. Also called: Tumor predisposition; Hereditary Cancer Syndrome; Neoplastic Syndromes, Hereditary; Hereditary neoplastic syndrome. Identifiers: Orphanet 140162, MedGen C0027672, MeSH D009386, MONDO:0015356.

Allele frequency attached by ClinVar (database versions not stated): TOPMed 0.00001; gnomAD 0.00003 and 0.00004.

Submissions (3):

Ambry Genetics
Classification: Likely benign for Hereditary cancer-predisposing syndrome. Last evaluated: 2026-07-07. Review status: criteria provided, single submitter. Criteria: Ambry Variant Classification Scheme 2023. Collection method: clinical testing. Allele origin: germline.

Fulgent Genetics
Classification: Uncertain significance for Tuberous sclerosis 1; Lymphangiomyomatosis; Isolated focal cortical dysplasia type II. Last evaluated: 2024-06-03. Review status: criteria provided, single submitter. Criteria: ACMG Guidelines, 2015. Collection method: clinical testing. Allele origin: germline.

Sema4
Classification: Uncertain significance for Hereditary cancer-predisposing syndrome. Last evaluated: 2021-06-13. Review status: criteria provided, single submitter. Criteria: Sema4 Curation Guidelines. Collection method: curation. Allele origin: germline.
Comment: The TSC1 c.1885A>C (p.K629Q) variant has not been reported in literature to our knowledge. This variant was observed in 3/8714 chromosomes in the African/African American subpopulation according to the Genome Aggregation Database (PMID: 32461654). The subpopulation frequency of this variant is higher than expected for a pathogenic variant based on disease/syndrome prevalence and penetrance. This variant has been reported in ClinVar (Variation ID 820256). In silico tools suggest the impact of the variant on protein function is inconclusive, though these predictions have not been confirmed by functional studies. The overall evidence is insufficient to meet ACMG/AMP criteria for classifying it as benign or pathogenic. In summary, the clinical significance of this variant is currently uncertain.